The following is an entry in ClinVar:

ClinVar aggregate classification (germline): Uncertain significance (1 of 4 stars; one submission).

Submission:

Labcorp Genetics (formerly Invitae), Labcorp
Classification: Uncertain significance. Last evaluated: 2021-08-16. Review status: criteria provided, single submitter. Criteria: Invitae Variant Classification Sherloc (09022015). Collection method: clinical testing. Allele origin: germline.
Comment: In summary, the available evidence is currently insufficient to determine the role of this variant in disease. Therefore, it has been classified as a Variant of Uncertain Significance. Algorithms developed to predict the effect of missense changes on protein structure and function are either unavailable or do not agree on the potential impact of this missense change (SIFT: "Tolerated"; PolyPhen-2: "Probably Damaging"; Align-GVGD: "Class C0"). This variant has not been reported in the literature in individuals with POLE-related conditions. This variant is not present in population databases (ExAC no frequency). This sequence change replaces threonine with arginine at codon 880 of the POLE protein (p.Thr880Arg). The threonine residue is weakly conserved and there is a moderate physicochemical difference between threonine and arginine.

NM_006231.4(POLE):c.2639C>G (p.Thr880Arg)

Gene: POLE (DNA polymerase epsilon, catalytic subunit; minus strand). Cytogenetic location: 12q24.33.
Variant type: single nucleotide variant.
Coding change: c.2639C>G on transcript NM_006231.4 (MANE Select); coding-DNA position 2639, C replaced by G.
Protein change: p.Thr880Arg; replaces threonine 880 with arginine.
Molecular consequence: missense variant.
Genome position (GRCh38, 1-based): chr12:132,664,071, G>C on the plus strand (C>G on the coding strand, the complement: POLE is on the minus strand). VCF-style: chr12-132664071-G-C. GRCh37 (hg19) VCF-style: chr12-133240657-G-C.
Other names: short protein forms T880R.
Identifiers: ClinVar variation 1487374 (VCV001487374.8), dbSNP rs1337524033, ClinGen allele CA387395474.
Genomic context (GRCh38, chr12:132,664,071, plus strand): 5'-ATGATGTTCAACATGGCGCCTGGGTAGGAGATGGTCACTTTGGGCTTCTTCACATTGGTC[G>C]TCTTGAAGACAAAATTTTCTGGGAAGCTGTTGGGCAGGACGCACCATATACCATCTGTGT-3'
Protein context (NP_006222.2, residues 870-890): NSFPENFVFK[Thr880Arg]TNVKKPKVTI